The following is an entry in ClinVar:

NM_001199107.2(TBC1D24):c.1003G>A (p.Val335Ile)

Gene: TBC1D24 (TBC1 domain family member 24; plus strand). Cytogenetic location: 16p13.3.
Variant type: single nucleotide variant.
Coding change: c.1003G>A on transcript NM_001199107.2 (MANE Select); coding-DNA position 1003, G replaced by A.
Protein change: p.Val335Ile; replaces valine 335 with isoleucine.
Molecular consequence: missense variant.
Genome position (GRCh38, 1-based): chr16:2,498,257, G>A. VCF-style: chr16-2498257-G-A. GRCh37 (hg19) VCF-style: chr16-2548258-G-A.
Other names: c.985G>A, p.Val329Ile (NM_020705.3); c.1003G>A (NM_001199107.1); short protein forms V329I, V335I.
Identifiers: ClinVar variation 1040452 (VCV001040452.10), dbSNP rs889668249, ClinGen allele CA276809793.
Genomic context (GRCh38, chr16:2,498,257, plus strand): 5'-AGACGTGCCTTCGGGCTCTGACCCCTGCTCGCTCCCCTCAGGCAGTTTGTACACTTGGCC[G>A]TCCATGCAGAGAACTTCCGCTCGGAGATCGTCAGCGTGAGGGAGATGAGAGACATCTGGT-3'
Protein context (NP_001186036.1, residues 325-345): LSKRQFVHLA[Val335Ile]HAENFRSEIV

ClinVar aggregate classification (germline): Uncertain significance. Review status: criteria provided, multiple submitters, no conflicts (2 of 4 stars). 2 submissions from 2 submitters: Uncertain significance (2). Last evaluated 2025-05-21.

Conditions:
Inborn genetic diseases. Identifiers: MedGen C0950123, MeSH D030342.
Developmental and epileptic encephalopathy, 1 (DEE1). Also called: X-linked infantile spasms; West's syndrome; Tonic spasms with clustering, arrest of psychomotor development and hypsarrhythmia on EEG; X-Linked Infantile Spasm Syndrome; OHTAHARA SYNDROME, X-LINKED; Epileptic encephalopathy, early infantile, 1. Identifiers: MedGen C3463992, MONDO:0010632, OMIM 308350. Disease mechanism: loss of function.
Autosomal dominant nonsyndromic hearing loss 65. Also called: Deafness, autosomal dominant 65; TBC1D24-Related Autosomal Dominant Nonsyndromic Hearing Loss (DFNA). Identifiers: Orphanet 90635, MedGen C3892048, MONDO:0014470, OMIM 616044.

Allele frequency attached by ClinVar (database versions not stated): gnomAD exomes 0.00001.
gnomAD v4.1: 9 of 1,610,484 alleles (0.00056%); highest among the groups gnomAD compares: Non-Finnish European, 0.00068%; no homozygotes.

Submissions (2):

Labcorp Genetics (formerly Invitae), Labcorp
Classification: Uncertain significance for Developmental and epileptic encephalopathy, 1; Autosomal dominant nonsyndromic hearing loss 65. Last evaluated: 2025-05-21. Review status: criteria provided, single submitter. Criteria: Invitae Variant Classification Sherloc (09022015). Collection method: clinical testing. Allele origin: germline.
Comment: This sequence change replaces valine, which is neutral and non-polar, with isoleucine, which is neutral and non-polar, at codon 335 of the TBC1D24 protein (p.Val335Ile). The frequency data for this variant in the population databases is considered unreliable, as metrics indicate poor data quality at this position in the gnomAD database. This variant has not been reported in the literature in individuals affected with TBC1D24-related conditions. ClinVar contains an entry for this variant (Variation ID: 1040452). Invitae Evidence Modeling of protein sequence and biophysical properties (such as structural, functional, and spatial information, amino acid conservation, physicochemical variation, residue mobility, and thermodynamic stability) indicates that this missense variant is not expected to disrupt TBC1D24 protein function with a negative predictive value of 80%. In summary, the available evidence is currently insufficient to determine the role of this variant in disease. Therefore, it has been classified as a Variant of Uncertain Significance.

Ambry Genetics
Classification: Uncertain significance for Inborn genetic diseases. Last evaluated: 2024-12-03. Review status: criteria provided, single submitter. Criteria: Ambry Variant Classification Scheme 2023. Collection method: clinical testing. Allele origin: germline.